The following is an entry in ClinVar:

NM_006231.4(POLE):c.2185A>C (p.Lys729Gln)

Gene: POLE (DNA polymerase epsilon, catalytic subunit; minus strand). Cytogenetic location: 12q24.33.
Variant type: single nucleotide variant.
Coding change: c.2185A>C on transcript NM_006231.4 (MANE Select); coding-DNA position 2185, A replaced by C.
Protein change: p.Lys729Gln; replaces lysine 729 with glutamine.
Molecular consequence: missense variant.
Genome position (GRCh38, 1-based): chr12:132,667,637, T>G on the plus strand (A>C on the coding strand, the complement: POLE is on the minus strand). VCF-style: chr12-132667637-T-G. GRCh37 (hg19) VCF-style: chr12-133244223-T-G.
Other names: short protein forms K729Q.
Identifiers: ClinVar variation 3308442 (VCV003308442.1).

ClinVar aggregate classification (germline): Uncertain significance (1 of 4 stars; one submission).

Conditions:
Hereditary cancer-predisposing syndrome. Also called: Neoplastic Syndromes, Hereditary; Tumor predisposition; Hereditary neoplastic syndrome; Hereditary Cancer Syndrome. Identifiers: Orphanet 140162, MedGen C0027672, MeSH D009386, MONDO:0015356.

Submission:

Ambry Genetics
Classification: Uncertain significance for Hereditary cancer-predisposing syndrome. Last evaluated: 2024-06-20. Review status: criteria provided, single submitter. Criteria: Ambry Variant Classification Scheme 2023. Collection method: clinical testing. Allele origin: germline.
Comment: The p.K729Q variant (also known as c.2185A>C), located in coding exon 20 of the POLE gene, results from an A to C substitution at nucleotide position 2185. The lysine at codon 729 is replaced by glutamine, an amino acid with similar properties. This amino acid position is conserved. In addition, this alteration is predicted to be tolerated by in silico analysis. Based on the available evidence, the clinical significance of this variant remains unclear.